The following is an entry in ClinVar:

NM_006269.2(RP1):c.1078A>C (p.Asn360His)

Gene: RP1 (RP1 axonemal microtubule associated; plus strand). Cytogenetic location: 8q12.1.
Variant type: single nucleotide variant.
Coding change: c.1078A>C on transcript NM_006269.2 (MANE Select); coding-DNA position 1078, A replaced by C.
Protein change: p.Asn360His; replaces asparagine 360 with histidine.
Molecular consequence: missense variant. On other transcripts: intron variant (1).
Genome position (GRCh38, 1-based): chr8:54,624,960, A>C. VCF-style: chr8-54624960-A-C. GRCh37 (hg19) VCF-style: chr8-55537520-A-C.
Other names: c.1078A>C (NM_006269.1); c.787+2672A>C (NM_001375654.1); short protein forms N360H.
Identifiers: ClinVar variation 2070885 (VCV002070885.7), dbSNP rs180915324, ClinGen allele CA4751315.

ClinVar aggregate classification (germline): Uncertain significance. Review status: criteria provided, multiple submitters, no conflicts (2 of 4 stars). 3 submissions from 3 submitters: Uncertain significance (3). Last evaluated 2023-10-01.

Conditions:
Retinal dystrophy. Also called: Inherited retinal dystrophy. Identifiers: Orphanet 71862, MedGen C0854723, MeSH D058499, MONDO:0019118, HP:0000556.
Inborn genetic diseases. Identifiers: MedGen C0950123, MeSH D030342.

Allele frequency attached by ClinVar (database versions not stated): ExAC 0.00002; gnomAD 0.00001; gnomAD exomes 0.00002; TOPMed 0.00002; 1000 Genomes Project 30x 0.00016; 1000 Genomes Project 0.00020.
gnomAD v4.1: 13 of 1,614,212 alleles (0.00081%); highest among the groups gnomAD compares: East Asian, 0.029%; no homozygotes.

Submissions (3):

Dept Of Ophthalmology, Nagoya University
Classification: Uncertain significance for Retinal dystrophy. Last evaluated: 2023-10-01. Review status: criteria provided, single submitter. Criteria: Submitter's publication. Collection method: research. Allele origin: germline. Affected: yes.

Ambry Genetics
Classification: Uncertain significance for Inborn genetic diseases. Last evaluated: 2023-04-13. Review status: criteria provided, single submitter. Criteria: Ambry Variant Classification Scheme 2023. Collection method: clinical testing. Allele origin: germline.

Labcorp Genetics (formerly Invitae), Labcorp
Classification: Uncertain significance. Last evaluated: 2022-11-01. Review status: criteria provided, single submitter. Criteria: Invitae Variant Classification Sherloc (09022015). Collection method: clinical testing. Allele origin: germline.
Comment: This sequence change replaces asparagine, which is neutral and polar, with histidine, which is basic and polar, at codon 360 of the RP1 protein (p.Asn360His). This variant is present in population databases (rs180915324, gnomAD 0.04%). This variant has not been reported in the literature in individuals affected with RP1-related conditions. Algorithms developed to predict the effect of missense changes on protein structure and function output the following: SIFT: "Tolerated"; PolyPhen-2: "Benign"; Align-GVGD: "Class C0". The histidine amino acid residue is found in multiple mammalian species, which suggests that this missense change does not adversely affect protein function. In summary, the available evidence is currently insufficient to determine the role of this variant in disease. Therefore, it has been classified as a Variant of Uncertain Significance.